The following is an entry in ClinVar:

ClinVar aggregate classification (germline): Likely benign. Review status: criteria provided, multiple submitters, no conflicts (2 of 4 stars). 3 submissions from 3 submitters: Likely benign (3). Last evaluated 2026-01-05.

Conditions:
Inborn genetic diseases. Identifiers: MedGen C0950123, MeSH D030342.

Allele frequency attached by ClinVar (database versions not stated): gnomAD 0.00009; TOPMed 0.00013; gnomAD exomes 0.00014; ESP Exome Variant Server 0.00024; ExAC 0.00029.

Submissions (3):

Labcorp Genetics (formerly Invitae), Labcorp
Classification: Likely benign. Last evaluated: 2026-01-05. Review status: criteria provided, single submitter. Criteria: Invitae Variant Classification Sherloc (09022015). Collection method: clinical testing. Allele origin: germline.

Ambry Genetics
Classification: Likely benign for Inborn genetic diseases. Last evaluated: 2023-12-20. Review status: criteria provided, single submitter. Criteria: Ambry Variant Classification Scheme 2023. Collection method: clinical testing. Allele origin: germline.

CeGaT Center for Human Genetics Tuebingen
Classification: Likely benign. Last evaluated: 2023-03-01. Review status: criteria provided, single submitter. Criteria: CeGaT Center For Human Genetics Tuebingen Variant Classification Criteria Version 2. Collection method: clinical testing. Allele origin: germline. Affected: yes. Observed: 1 variant allele.
Comment: HIVEP2: BP4

NM_006734.4(HIVEP2):c.3722G>C (p.Ser1241Thr)

Gene: HIVEP2 (HIVEP zinc finger 2; minus strand). Cytogenetic location: 6q24.2.
Variant type: single nucleotide variant.
Coding change: c.3722G>C on transcript NM_006734.4 (MANE Select); coding-DNA position 3722, G replaced by C.
Protein change: p.Ser1241Thr; replaces serine 1241 with threonine.
Molecular consequence: missense variant.
Genome position (GRCh38, 1-based): chr6:142,771,017, C>G on the plus strand (G>C on the coding strand, the complement: HIVEP2 is on the minus strand). VCF-style: chr6-142771017-C-G. GRCh37 (hg19) VCF-style: chr6-143092154-C-G.
Other names: c.3722G>C (NM_006734.3); short protein forms S1241T.
Identifiers: ClinVar variation 2071062 (VCV002071062.29), dbSNP rs199596093, ClinGen allele CA4028197.